The following is an entry in ClinVar:

NM_000212.3(ITGB3):c.1754A>G (p.Asn585Ser)

Gene: ITGB3 (integrin subunit beta 3; plus strand). Cytogenetic location: 17q21.32.
Variant type: single nucleotide variant.
Coding change: c.1754A>G on transcript NM_000212.3 (MANE Select); coding-DNA position 1754, A replaced by G.
Protein change: p.Asn585Ser; replaces asparagine 585 with serine.
Molecular consequence: missense variant.
Genome position (GRCh38, 1-based): chr17:47,299,371, A>G. VCF-style: chr17-47299371-A-G. GRCh37 (hg19) VCF-style: chr17-45376737-A-G.
Other names: short protein forms N585S.
Identifiers: ClinVar variation 2884090 (VCV002884090.3), dbSNP rs769897880, ClinGen allele CA8623347.

ClinVar aggregate classification (germline): Uncertain significance (1 of 4 stars; one submission).

Allele frequency attached by ClinVar (database versions not stated): ExAC 0.00001; TOPMed 0.00002.
gnomAD v4.1: 6 of 1,614,218 alleles (0.00037%); highest among the groups gnomAD compares: East Asian, 0.0022%; no homozygotes.

Submission:

Labcorp Genetics (formerly Invitae), Labcorp
Classification: Uncertain significance. Last evaluated: 2025-07-02. Review status: criteria provided, single submitter. Criteria: Invitae Variant Classification Sherloc (09022015). Collection method: clinical testing. Allele origin: germline.
Comment: This sequence change replaces asparagine, which is neutral and polar, with serine, which is neutral and polar, at codon 585 of the ITGB3 protein (p.Asn585Ser). This variant is present in population databases (rs769897880, gnomAD 0.0009%). This variant has not been reported in the literature in individuals affected with ITGB3-related conditions. ClinVar contains an entry for this variant (Variation ID: 2884090). Invitae Evidence Modeling of protein sequence and biophysical properties (such as structural, functional, and spatial information, amino acid conservation, physicochemical variation, residue mobility, and thermodynamic stability) has been performed for this missense variant. However, the output from this modeling did not meet the statistical confidence thresholds required to predict the impact of this variant on ITGB3 protein function. In summary, the available evidence is currently insufficient to determine the role of this variant in disease. Therefore, it has been classified as a Variant of Uncertain Significance.